The following is an entry in ClinVar:

NM_000152.5(GAA):c.1822C>T (p.Arg608Ter)

Gene: GAA (alpha glucosidase; plus strand). Cytogenetic location: 17q25.3.
Variant type: single nucleotide variant.
Coding change: c.1822C>T on transcript NM_000152.5 (MANE Select); coding-DNA position 1822, C replaced by T.
Protein change: p.Arg608Ter; replaces arginine 608 with a stop codon.
Molecular consequence: nonsense.
Genome position (GRCh38, 1-based): chr17:80,112,645, C>T. VCF-style: chr17-80112645-C-T. GRCh37 (hg19) VCF-style: chr17-78086444-C-T.
Other names: NM_000152.5(GAA):c.1822C>T; p.Arg608Ter; c.1822C>T, p.Arg608Ter (NM_001079803.3, NM_001079804.3); c.1822C>T (NM_000152.4, NM_000152.3); short protein forms R608*.
Identifiers: ClinVar variation 972803 (VCV000972803.56), dbSNP rs749529161, ClinGen allele CA8815488.

ClinVar aggregate classification (germline): Pathogenic. Review status: reviewed by expert panel (3 of 4 stars). 10 submissions from 10 submitters: Pathogenic (1). 9 of the submissions do not count toward it. Last evaluated 2021-10-26.

Conditions:
Glycogen storage disease, type II (IOPD). Also called: POMPE DISEASE, INFANTILE-ONSET; Glucosidase acid-1,4-alpha deficiency; GLYCOGEN STORAGE DISEASE II, INFANTILE-ONSET; ACID ALPHA-GLUCOSIDASE DEFICIENCY, INFANTILE-ONSET; CARDIOMEGALIA GLYCOGENICA DIFFUSA; GLYCOGENOSIS, GENERALIZED, CARDIAC FORM. Identifiers: Orphanet 365, MedGen C0017921, MONDO:0009290, OMIM 232300.

Allele frequency attached by ClinVar (database versions not stated): gnomAD 0.00001; ExAC 0.00003.
gnomAD v4.1: 11 of 1,612,652 alleles (0.00068%); highest among the groups gnomAD compares: East Asian, 0.0022%; no homozygotes.

Submissions (10):

ClinGen Lysosomal Storage Disorder Variant Curation Expert Panel
Classification: Pathogenic for Glycogen storage disease, type II. Last evaluated: 2021-10-26. Review status: reviewed by expert panel. Criteria: clingen_lsd_acmg_specifications_v2-1. Collection method: curation. Allele origin: germline. Inheritance: Autosomal recessive inheritance.
Comment: The NM_000152.5:c.1822C>T (p.Arg608Ter) variant in GAA is a nonsense variant predicted to cause a premature stop codon in biologically-relevant-exon 13/20, leading to nonsense mediated decay in a gene in which loss-of-function is an established disease mechanism. This variant has been identified in a patient with no GAA cross reactive immunological material in skin fibroblasts supporting that it is a loss of function variant (PMIDs 22252923, 32849613)(PVS1). This variant has been detected in at least 13 individuals reported to have Pompe disease. At least 10 patients, mostly East Asian, have been reported with features with high specificity for Pompe disease including documentation of laboratory values showing deficient GAA activity and/or clinical features consistent with infantile onset Pompe disease and/or treated with enzyme replacement therapy, all meeting the specifications for PP4_Moderate (PMID 21484825, 21940687, 23884227, 24269976, 26693141, 29124014, 29422078, 30360039, 31439017, 31875618, 32849613). Of the individuals with this variant who are reported to have Pompe disease, two individuals were compound heterozygous for the variant and a pathogenic variant; in one case, the variant was confirmed in trans with c.2662G>T (p.Glu888Ter)(PMID 31743840, ClinVar SCV SCV001371767.1), and in another case the variant was found in compound heterozygosity, phase unknown, with c.-32-13T>G (PMID 31545528)(phase unknown). Another individual was homozygous for the variant (PMID 29124014)(PM3_Strong). In addition, the variant was found in compound heterozygosity with the following variants, phase unknown - c.1935C>A (p.Asp645Glu) (PMID 24269976, 31439017), c.875A>G (p.Tyr292Cys)(PMID 21940687, 23884227, 30360039), c.1309C>T (p.Arg437Cys)(PMID 21940687, 23884227, 30360039), c.784G>A (p.Glu262Lys)(PMID 29422078), c.2238G>C (p.Trp746Cys)(PMID 28433475), c.953T>A (p.Met318Lys)(PMID 21484825), and c.1754+2T>A (PMID 26693141, 32849613), and it was confirmed in trans with c.2297A>C (p.Tyr766Ser)(PMID 31875618). The allelic data from these additional patients will be used in the assessment of the second variant and is not included here to avoid circular logic. The highest population minor allele frequency in gnomAD v2.1.1 is 0.00005 in the East Asian population, which is lower than the ClinGen LSD VCEP threshold (<0.001) for PM2_Supporting, meeting this criterion (PM2_Supporting). There is a ClinVar entry for this variant (Variant ID: 972803, 1 star review status) with two submitters classifying the variant as pathogenic. In summary, this variant meets the criteria to be classified as pathogenic for Pompe disease. ACMG/AMP criteria met, as specified by the ClinGen LSD VCEP (Specifications Version 2): PVS1, PM3_Strong, PP4_Moderate, PM2_Supporting. Classification approved by the ClinGen LSD VCEP: Oct. 19th, 2021.

Genomenon, Inc
Classification: Pathogenic for Glycogen storage disease, type II. Last evaluated: 2026-07-01. Review status: criteria provided, single submitter. Criteria: Genomenon Sequence Variant Interpretation Standards - Updated. Collection method: curation. Allele origin: germline. Affected: yes. Not counted in ClinVar's aggregate classification.
Comment: GAA p.Arg608Ter (c.1822C>T) is a nonsense variant that introduces a premature stop codon at amino acid position 608 and is predicted to result in a truncated or absent protein product. This variant has been observed in at least one proband with a GAA-related disorder (PMID:40952111;39010129;36074069;35833019;34852371;35071497;31875618;31545528;31439017;21940687;28814660;29124014;25052852;20202878;21484825;24269976). Functional studies have been reported (PMID:37916452;21982629). It is absent or not present at a significant frequency in gnomAD. In conclusion, we classify GAA p.Arg608Ter (c.1822C>T) as a pathogenic variant.

Labcorp Genetics (formerly Invitae), Labcorp
Classification: Pathogenic for Glycogen storage disease, type II. Last evaluated: 2025-06-30. Review status: criteria provided, single submitter. Criteria: Invitae Variant Classification Sherloc (09022015). Collection method: clinical testing. Allele origin: germline. Not counted in ClinVar's aggregate classification.
Comment: This sequence change creates a premature translational stop signal (p.Arg608*) in the GAA gene. It is expected to result in an absent or disrupted protein product. Loss-of-function variants in GAA are known to be pathogenic (PMID: 18425781, 22252923). The frequency data for this variant in the population databases is considered unreliable, as metrics indicate poor data quality at this position in the gnomAD database. This premature translational stop signal has been observed in individual(s) with glycogen storage disease, type II (GSDII), also known as Pompe disease (PMID: 29422078, 31743840, 31875618). In at least one individual the data is consistent with being in trans (on the opposite chromosome) from a pathogenic variant. ClinVar contains an entry for this variant (Variation ID: 972803). For these reasons, this variant has been classified as Pathogenic.

Natera, Inc.
Classification: Pathogenic for Glycogen storage disease type II. Last evaluated: 2024-08-01. Review status: criteria provided, single submitter. Criteria: Natera Variant Classification Schema (03/2026). Collection method: clinical testing. Allele origin: germline. Not counted in ClinVar's aggregate classification.
Comment: The c.1822C>T variant in GAA is a nonsense variant predicted to introduce a stop codon at amino acid 608. This variant is expected to result in nonsense mediated decay, truncation, or a dysfunctional protein product. This variant is rare in the general population with a frequency below the threshold expected for the associated phenotype(s). This variant has been observed in one or more individuals affected with the associated recessive disease, as either homozygous or compound heterozygous with a second variant (PMID: 29124014). Given the available evidence, this variant is classified as Pathogenic.

Baylor Genetics
Classification: Pathogenic for Glycogen storage disease, type II. Last evaluated: 2024-03-15. Review status: criteria provided, single submitter. Criteria: ACMG Guidelines, 2015. Collection method: clinical testing. Allele origin: unknown. Not counted in ClinVar's aggregate classification.

GeneDx
Classification: Pathogenic. Last evaluated: 2023-02-08. Review status: criteria provided, single submitter. Criteria: GeneDx Variant Classification Process June 2021. Collection method: clinical testing. Allele origin: germline. Affected: yes. Not counted in ClinVar's aggregate classification.
Comment: Nonsense variant predicted to result in protein truncation or nonsense mediated decay in a gene for which loss of function is a known mechanism of disease; Not observed at significant frequency in large population cohorts (gnomAD); This variant is associated with the following publications: (PMID: 20202878, 25525159, 18425781, 29422078, 27363342, 31875618, 31743840, 30275481, 37937776, 21982629, 21940687, 28433475, 30360039, 23884227, 34852371, 21484825, 29124014)

CeGaT Center for Human Genetics Tuebingen
Classification: Pathogenic. Last evaluated: 2021-07-01. Review status: criteria provided, single submitter. Criteria: CeGaT Center For Human Genetics Tuebingen Variant Classification Criteria Version 2. Collection method: clinical testing. Allele origin: germline. Affected: yes. Observed: 1 variant allele. Not counted in ClinVar's aggregate classification.

Revvity Omics, Revvity
Classification: Pathogenic. Last evaluated: 2020-11-03. Review status: criteria provided, single submitter. Criteria: ACMG Guidelines, 2015. Collection method: clinical testing. Allele origin: germline. Not counted in ClinVar's aggregate classification.

Broad Center for Mendelian Genomics, Broad Institute of MIT and Harvard
Classification: Pathogenic for Glycogen storage disease, type II. Last evaluated: 2020-01-22. Review status: criteria provided, single submitter. Criteria: ACMG Guidelines, 2015. Collection method: curation. Allele origin: germline. Inheritance: Autosomal recessive inheritance. Not counted in ClinVar's aggregate classification.
Comment: The p.Arg608Ter variant in GAA has been reported in at least 3 individuals with glycogen storage disease II (PMID: 26693141, 21484825, 18425781) and has been identified in 0.005% (1/19598) of East Asian chromosomes, 0.004% (1/24638) of European (Finnish) chromosomes, and 0.002% (3/125720) of European (non-Finnish) chromosomes by the Genome Aggregation Database (gnomAD; dbSNP rs749529161). Although this variant has been seen in the general population, its frequency is low enough to be consistent with a recessive carrier frequency. This nonsense variant leads to a premature termination codon at position 608, which is predicted to lead to a truncated or absent protein. Loss of function of the GAA gene is an established disease mechanism in autosomal recessive glycogen storage disease II. The phenotype of an individual compound heterozygous for this variant is highly specific for glycogen storage disease based on GAA activity being less than 1% of wild-type and the absence of pseudo-deficiency alleles, consistent with disease (PMID: 21484825). In summary, this variant meets criteria to be classified as pathogenic for glycogen storage disease II in an autosomal recessive manner based on the prediction that it causes loss of function, and its low frequency in the general population. ACMG/AMP Criteria applied: PVS1, PM2, PP4_moderate (Richards 2015).

Juno Genomics, Hangzhou Juno Genomics, Inc
Classification: Pathogenic for Glycogen storage disease, type II. Review status: criteria provided, single submitter. Criteria: ACMG Guidelines, 2015. Collection method: clinical testing. Allele origin: germline. Not counted in ClinVar's aggregate classification.
Comment: Absent from controls (or at extremely low frequency if recessive) in Genome Aggregation Database.;Null variant in a gene where loss of function (LOF) is a known mechanism of disease.;For recessive disorders, detected in trans with a pathogenic variant.;Patient's phenotype or family history is highly specific for a disease with a single genetic etiology.

Literature cited by the submitters: PubMed 40952111 (cited by Genomenon, Inc); PubMed 39010129 (cited by Genomenon, Inc); PubMed 36074069 (cited by Genomenon, Inc); PubMed 35833019 (cited by Genomenon, Inc); PubMed 34852371 (cited by Genomenon, Inc); PubMed 35071497 (cited by Genomenon, Inc); PubMed 31875618 (cited by Genomenon, Inc and Labcorp Genetics (formerly Invitae), Labcorp); PubMed 31545528 (cited by Genomenon, Inc); PubMed 31439017 (cited by Genomenon, Inc); PubMed 21940687 (cited by Genomenon, Inc); PubMed 28814660 (cited by Genomenon, Inc); PubMed 29124014 (cited by Genomenon, Inc and Natera, Inc.); PubMed 25052852 (cited by Genomenon, Inc); PubMed 20202878 (cited by Genomenon, Inc); PubMed 21484825 (cited by Genomenon, Inc and Broad Center for Mendelian Genomics, Broad Institute of MIT and Harvard); PubMed 24269976 (cited by Genomenon, Inc); PubMed 37916452 (cited by Genomenon, Inc); PubMed 21982629 (cited by Genomenon, Inc); PubMed 18425781 (cited by Labcorp Genetics (formerly Invitae), Labcorp); PubMed 22252923 (cited by Labcorp Genetics (formerly Invitae), Labcorp); PubMed 29422078 (cited by Labcorp Genetics (formerly Invitae), Labcorp); PubMed 31743840 (cited by Labcorp Genetics (formerly Invitae), Labcorp).